The following is an entry in ClinVar:

NM_000053.4(ATP7B):c.4059G>C (p.Trp1353Cys)

Gene: ATP7B (ATPase copper transporting beta; minus strand). Cytogenetic location: 13q14.3.
Variant type: single nucleotide variant.
Coding change: c.4059G>C on transcript NM_000053.4 (MANE Select); coding-DNA position 4059, G replaced by C.
Protein change: p.Trp1353Cys; replaces tryptophan 1353 with cysteine.
Molecular consequence: missense variant.
Genome position (GRCh38, 1-based): chr13:51,935,658, C>G on the plus strand (G>C on the coding strand, the complement: ATP7B is on the minus strand). VCF-style: chr13-51935658-C-G. GRCh37 (hg19) VCF-style: chr13-52509794-C-G.
Other names: p.Trp1353Cys; c.3771G>C, p.Trp1257Cys (NM_001406534.1); c.3729G>C, p.Trp1243Cys (NM_001406535.1, NM_001406536.1); c.3720G>C, p.Trp1240Cys (NM_001406537.1); c.3681G>C, p.Trp1227Cys (NM_001406538.1); c.3630G>C, p.Trp1210Cys (NM_001406539.1); c.3612G>C, p.Trp1204Cys (NM_001406540.1); c.3573G>C, p.Trp1191Cys (NM_001406541.1, NM_001406542.1); and 22 more; short protein forms W1072C, W1126C, W1137C, W1146C, W1159C, W1189C, W1191C, W1204C.
Identifiers: ClinVar variation 3380152 (VCV003380152.2).

ClinVar aggregate classification (germline): Uncertain significance. Review status: criteria provided, multiple submitters, no conflicts (2 of 4 stars). 2 submissions from 2 submitters: Uncertain significance (2). Last evaluated 2024-03-18.

Conditions:
Wilson disease (WND). Also called: Wilson's disease. Identifiers: Orphanet 905, MedGen C0019202, MONDO:0010200, OMIM 277900. Disease mechanism: loss of function.

Submissions (2):

Mayo Clinic Laboratories, Mayo Clinic
Classification: Uncertain significance. Last evaluated: 2024-03-18. Review status: criteria provided, single submitter. Criteria: ACMG Guidelines, 2015. Collection method: clinical testing. Allele origin: germline. Observed: 1 variant allele.
Comment: PP3, PM2

Fulgent Genetics
Classification: Uncertain significance for Wilson disease. Last evaluated: 2024-02-10. Review status: criteria provided, single submitter. Criteria: ACMG Guidelines, 2015. Collection method: clinical testing. Allele origin: germline.